The following is an entry in ClinVar:

ClinVar aggregate classification (germline): Uncertain significance (1 of 4 stars; one submission).

Conditions:
Inborn genetic diseases. Identifiers: MedGen C0950123, MeSH D030342.

Allele frequency attached by ClinVar (database versions not stated): ExAC 0.00001; gnomAD exomes 0.00001.
gnomAD v4.1: 10 of 1,613,950 alleles (0.00062%); highest among the groups gnomAD compares: Non-Finnish European, 0.00076%; no homozygotes.

Submission:

Ambry Genetics
Classification: Uncertain significance for Inborn genetic diseases. Last evaluated: 2021-09-29. Review status: criteria provided, single submitter. Criteria: Ambry Variant Classification Scheme 2023. Collection method: clinical testing. Allele origin: germline.
Comment: The c.3850+4G>C intronic alteration consists of a G to C substitution 4 nucleotides after exon 21 of the DSCAM gene. Based on insufficient or conflicting evidence, the clinical significance of this alteration remains unclear.

NM_001389.5(DSCAM):c.3850+4G>C

Gene: DSCAM (DS cell adhesion molecule; minus strand). Cytogenetic location: 21q22.2.
Variant type: single nucleotide variant.
Coding change: c.3850+4G>C on transcript NM_001389.5 (MANE Select); 4 bases into the intron after coding-DNA position 3850, G replaced by C.
Molecular consequence: intron variant.
Genome position (GRCh38, 1-based): chr21:40,093,717, C>G on the plus strand (G>C on the coding strand, the complement: DSCAM is on the minus strand). VCF-style: chr21-40093717-C-G. GRCh37 (hg19) VCF-style: chr21-41465644-C-G.
Other names: c.3850+4G>C (NM_001271534.3).
Identifiers: ClinVar variation 2240278 (VCV002240278.2), dbSNP rs780871050, ClinGen allele CA10030821.